The following is an entry in ClinVar:

NM_014698.3(TMEM63A):c.1750C>T (p.Arg584Cys)

Gene: TMEM63A (transmembrane protein 63A; minus strand). Cytogenetic location: 1q42.12.
Variant type: single nucleotide variant.
Coding change: c.1750C>T on transcript NM_014698.3 (MANE Select); coding-DNA position 1750, C replaced by T.
Protein change: p.Arg584Cys; replaces arginine 584 with cysteine.
Molecular consequence: missense variant.
Genome position (GRCh38, 1-based): chr1:225,853,676, G>A on the plus strand (C>T on the coding strand, the complement: TMEM63A is on the minus strand). VCF-style: chr1-225853676-G-A. GRCh37 (hg19) VCF-style: chr1-226041377-G-A.
Other names: short protein forms R584C.
Identifiers: ClinVar variation 3041317 (VCV003041317.10), dbSNP rs75188792, ClinGen allele CA1419041.

ClinVar aggregate classification (germline): Benign. Review status: criteria provided, single submitter (1 of 4 stars). 2 submissions from 2 submitters: Benign (1). 1 of the submissions does not count toward it. Last evaluated 2025-12-01.

Conditions:
TMEM63A-related disorder. Also called: TMEM63A-related condition.

Allele frequency attached by ClinVar (database versions not stated): 1000 Genomes Project 0.00080; gnomAD 0.00099; 1000 Genomes Project 30x 0.00109; ESP Exome Variant Server 0.00139; ExAC 0.00163.

Submissions (2):

CeGaT Center for Human Genetics Tuebingen
Classification: Benign. Last evaluated: 2025-12-01. Review status: criteria provided, single submitter. Criteria: CeGaT Center For Human Genetics Tuebingen Variant Classification Criteria Version 2. Collection method: clinical testing. Allele origin: germline. Affected: yes. Observed: 2 variant alleles.
Comment: TMEM63A: BS1, BS2

PreventionGenetics, part of Exact Sciences
Classification: Likely benign for TMEM63A-related condition. Last evaluated: 2022-09-20. Review status: no assertion criteria provided. Collection method: clinical testing. Allele origin: germline. Not counted in ClinVar's aggregate classification.
Comment: This variant is classified as likely benign based on ACMG/AMP sequence variant interpretation guidelines (Richards et al. 2015 PMID: 25741868, with internal and published modifications).